The following is an entry in ClinVar:

ClinVar aggregate classification (germline): Uncertain significance (1 of 4 stars; one submission).

Conditions:
Familial thoracic aortic aneurysm and aortic dissection (TAAD). Also called: Thoracic aortic aneurysms and dissections. Identifiers: Orphanet 91387, MedGen C4707243, MONDO:0019625.

gnomAD v4.1: 1 of 1,614,188 alleles (0.000062%); highest among the groups gnomAD compares: Admixed American, 0.0017%; no homozygotes.

Submission:

Ambry Genetics
Classification: Uncertain significance for Familial thoracic aortic aneurysm and aortic dissection. Last evaluated: 2025-07-28. Review status: criteria provided, single submitter. Criteria: Ambry Variant Classification Scheme 2023. Collection method: clinical testing. Allele origin: germline.
Comment: The p.F228S variant (also known as c.683T>C), located in coding exon 5 of the MYH11 gene, results from a T to C substitution at nucleotide position 683. The phenylalanine at codon 228 is replaced by serine, an amino acid with highly dissimilar properties. This amino acid position is conserved. In addition, this alteration is predicted to be deleterious by in silico analysis. Based on the available evidence, the clinical significance of this variant remains unclear.

NM_002474.3(MYH11):c.683T>C (p.Phe228Ser)

Gene: MYH11 (myosin heavy chain 11; minus strand). Cytogenetic location: 16p13.11.
Variant type: single nucleotide variant.
Coding change: c.683T>C on transcript NM_002474.3 (MANE Select); coding-DNA position 683, T replaced by C.
Protein change: p.Phe228Ser; replaces phenylalanine 228 with serine.
Molecular consequence: missense variant.
Genome position (GRCh38, 1-based): chr16:15,782,428, A>G on the plus strand (T>C on the coding strand, the complement: MYH11 is on the minus strand). VCF-style: chr16-15782428-A-G. GRCh37 (hg19) VCF-style: chr16-15876285-A-G.
Other names: c.704T>C, p.Phe235Ser (NM_001040113.2, NM_001040114.2); c.683T>C, p.Phe228Ser (NM_022844.3); short protein forms F228S, F235S.
Identifiers: ClinVar variation 4114589 (VCV004114589.1).